The following is an entry in ClinVar:

ClinVar aggregate classification (germline): Pathogenic (1 of 4 stars; one submission).

Conditions:
Syndromic X-linked intellectual disability Najm type (MICPCH). Also called: Intellectual Disability and Microcephaly with Pontine and Cerebellar Hypoplasia; Mental retardation and microcephaly with pontine and cerebellar hypoplasia; MENTAL RETARDATION, X-LINKED, SYNDROMIC, NAJM TYPE; Intellectual Disability and Microcephaly with Pontine and Cerebellar Hypoplasia (MICPCH); MICPCH SYNDROME; Intellectual developmental disorder and microcephaly with pontine and cerebellar hypoplasia. Identifiers: Orphanet 163937, MedGen C2677903, MONDO:0010417, OMIM 300749.

Submission:

Greenwood Genetic Center Diagnostic Laboratories, Greenwood Genetic Center
Classification: Pathogenic for Syndromic X-linked intellectual disability Najm type. Last evaluated: 2023-08-31. Review status: criteria provided, single submitter. Criteria: ACMG Guidelines, 2015. Collection method: clinical testing. Allele origin: germline. Affected: yes.
Comment: PVS1, PS2, PS4_Supporting, PM2

NM_001367721.1(CASK):c.2080C>T (p.Gln694Ter)

Gene: CASK (calcium/calmodulin dependent serine protein kinase; minus strand). Cytogenetic location: Xp11.4.
Variant type: single nucleotide variant.
Coding change: c.2080C>T on transcript NM_001367721.1 (MANE Select); coding-DNA position 2080, C replaced by T.
Protein change: p.Gln694Ter; replaces glutamine 694 with a stop codon.
Molecular consequence: nonsense.
Genome position (GRCh38, 1-based): chrX:41,542,766, G>A on the plus strand (C>T on the coding strand, the complement: CASK is on the minus strand). VCF-style: chrX-41542766-G-A. GRCh37 (hg19) VCF-style: chrX-41402019-G-A.
Other names: c.2011C>T, p.Gln671Ter (NM_001126054.3); c.1993C>T, p.Gln665Ter (NM_001126055.3); c.2062C>T, p.Gln688Ter (NM_001410745.1); c.2080C>T, p.Gln694Ter (NM_003688.4); short protein forms Q665*, Q671*, Q688*, Q694*.
Identifiers: ClinVar variation 2626912 (VCV002626912.1), dbSNP rs2519721422, ClinGen allele CA412992382.